The following is an entry in ClinVar:

ClinVar aggregate classification (germline): Uncertain significance (0 of 4 stars; one submission).

Conditions:
FGFR1-related disorder. Also called: FGFR1-related condition; FGFR1-related disorders. Identifiers: MedGen CN380097.

Submission:

PreventionGenetics, part of Exact Sciences
Classification: Uncertain significance for FGFR1-related condition. Last evaluated: 2024-03-28. Review status: no assertion criteria provided. Collection method: clinical testing. Allele origin: germline.
Comment: The FGFR1 c.1321G>T variant is predicted to result in the amino acid substitution p.Val441Phe. To our knowledge, this variant has not been reported in the literature or in a large population database, indicating this variant is rare. At this time, the clinical significance of this variant is uncertain due to the absence of conclusive functional and genetic evidence.

NM_023110.3(FGFR1):c.1321G>T (p.Val441Phe)

Gene: FGFR1 (fibroblast growth factor receptor 1; minus strand). Cytogenetic location: 8p11.23.
Variant type: single nucleotide variant.
Coding change: c.1321G>T on transcript NM_023110.3 (MANE Select); coding-DNA position 1321, G replaced by T.
Protein change: p.Val441Phe; replaces valine 441 with phenylalanine.
Molecular consequence: missense variant.
Genome position (GRCh38, 1-based): chr8:38,418,337, C>A on the plus strand (G>T on the coding strand, the complement: FGFR1 is on the minus strand). VCF-style: chr8-38418337-C-A. GRCh37 (hg19) VCF-style: chr8-38275855-C-A.
Other names: c.1315G>T, p.Val439Phe (NM_001174063.2, NM_001174065.2, NM_001354367.2 and 1 more transcripts); c.1291G>T, p.Val431Phe (NM_001174064.2); c.1054G>T, p.Val352Phe (NM_001174066.2, NM_023105.3); c.1414G>T, p.Val472Phe (NM_001174067.2); c.1042G>T, p.Val348Phe (NM_001354368.2); c.1309G>T, p.Val437Phe (NM_001354369.2, NM_001410922.1); c.1048G>T, p.Val350Phe (NM_001354370.2, NM_023106.3); short protein forms V348F, V350F, V352F, V431F, V437F, V439F, V441F, V472F.
Identifiers: ClinVar variation 3348747 (VCV003348747.1).